The following is an entry in ClinVar:

ClinVar aggregate classification (germline): Uncertain significance. Review status: criteria provided, multiple submitters, no conflicts (2 of 4 stars). 3 submissions from 3 submitters: Uncertain significance (3). Last evaluated 2025-08-21.

Conditions:
Inborn genetic diseases. Identifiers: MedGen C0950123, MeSH D030342.

Allele frequency attached by ClinVar (database versions not stated): gnomAD exomes below 0.00001 and 0.00001; ExAC 0.00001; gnomAD 0.00001; TOPMed 0.00001; ESP Exome Variant Server 0.00008.
gnomAD v4.1: 11 of 1,610,432 alleles (0.00068%); highest among the groups gnomAD compares: Non-Finnish European, 0.00085%; no homozygotes.

Submissions (3):

Ambry Genetics
Classification: Uncertain significance for Inborn genetic diseases. Last evaluated: 2025-08-21. Review status: criteria provided, single submitter. Criteria: Ambry Variant Classification Scheme 2023. Collection method: clinical testing. Allele origin: germline.

Labcorp Genetics (formerly Invitae), Labcorp
Classification: Uncertain significance. Last evaluated: 2024-02-23. Review status: criteria provided, single submitter. Criteria: Invitae Variant Classification Sherloc (09022015). Collection method: clinical testing. Allele origin: germline.
Comment: This sequence change replaces asparagine, which is neutral and polar, with tyrosine, which is neutral and polar, at codon 248 of the KCNV2 protein (p.Asn248Tyr). This variant is present in population databases (rs368923394, gnomAD 0.001%). This variant has not been reported in the literature in individuals affected with KCNV2-related conditions. ClinVar contains an entry for this variant (Variation ID: 963331). Advanced modeling of protein sequence and biophysical properties (such as structural, functional, and spatial information, amino acid conservation, physicochemical variation, residue mobility, and thermodynamic stability) performed at Invitae indicates that this missense variant is not expected to disrupt KCNV2 protein function with a negative predictive value of 80%. In summary, the available evidence is currently insufficient to determine the role of this variant in disease. Therefore, it has been classified as a Variant of Uncertain Significance.

Blueprint Genetics
Classification: Uncertain significance. Last evaluated: 2023-09-21. Review status: criteria provided, single submitter. Criteria: ACMG Guidelines, 2015. Collection method: clinical testing. Allele origin: germline.

NM_133497.4(KCNV2):c.742A>T (p.Asn248Tyr)

Gene: KCNV2 (potassium voltage-gated channel modifier subfamily V member 2; plus strand). Cytogenetic location: 9p24.2.
Variant type: single nucleotide variant.
Coding change: c.742A>T on transcript NM_133497.4 (MANE Select); coding-DNA position 742, A replaced by T.
Protein change: p.Asn248Tyr; replaces asparagine 248 with tyrosine.
Molecular consequence: missense variant.
Genome position (GRCh38, 1-based): chr9:2,718,481, A>T. VCF-style: chr9-2718481-A-T. GRCh37 (hg19) VCF-style: chr9-2718481-A-T.
Other names: short protein forms N248Y.
Identifiers: ClinVar variation 963331 (VCV000963331.11), dbSNP rs368923394, ClinGen allele CA4965602.
Genomic context (GRCh38, chr9:2,718,481, plus strand): 5'-GAGGCGGAGGAACTCTTCCGCGACATGCGCTTCTACGGCCCGCAGCGGCGCCGCCTCTGG[A>T]ACCTCATGGAGAAGCCATTCTCCTCGGTGGCCGCCAAGGCCATCGGGGTGGCCTCCAGCA-3'
Protein context (NP_598004.1, residues 238-258): FYGPQRRRLW[Asn248Tyr]LMEKPFSSVA